The following is an entry in ClinVar:

ClinVar aggregate classification (germline): Pathogenic (1 of 4 stars; one submission).

Conditions:
Bardet-Biedl syndrome (BBS). Identifiers: Orphanet 110, MedGen C0752166, MONDO:0015229.

Submission:

Labcorp Genetics (formerly Invitae), Labcorp
Classification: Pathogenic for Bardet-Biedl syndrome. Last evaluated: 2020-11-18. Review status: criteria provided, single submitter. Criteria: Invitae Variant Classification Sherloc (09022015). Collection method: clinical testing. Allele origin: germline.
Comment: For these reasons, this variant has been classified as Pathogenic. This variant has not been reported in the literature in individuals with WDPCP-related conditions. This variant is a gross deletion of the genomic region encompassing exon(s) 1-6 of the WDPCP gene, which includes the initiator codon. The 5' end of this event is unknown as it extends beyond the assayed region for this gene and therefore may encompass additional genes. The 3' boundary is likely confined to intron 6 of the WDPCP gene. It is expected to result in an absent or disrupted protein product. Loss-of-function variants in WDPCP are known to be pathogenic (PMID: 20671153, 25427950, 27158779).

Literature cited by the submitters: PubMed 20671153; PubMed 25427950; PubMed 27158779.

NC_000002.11:g.(?_63711718)_(63815425_?)del

Gene: WDPCP (WD repeat containing planar cell polarity effector; minus strand). Cytogenetic location: 2p15.
Variant type: Deletion.
Identifiers: ClinVar variation 1451406 (VCV001451406.4).